The following is an entry in ClinVar:

ClinVar aggregate classification (germline): Uncertain significance (1 of 4 stars; one submission).

Submission:

GeneDx
Classification: Uncertain significance. Last evaluated: 2024-01-24. Review status: criteria provided, single submitter. Criteria: GeneDx Variant Classification Process June 2021. Collection method: clinical testing. Allele origin: germline. Affected: yes.
Comment: Has not been previously published as pathogenic or benign to our knowledge; Not observed at significant frequency in large population cohorts (gnomAD); In silico analysis supports that this missense variant does not alter protein structure/function

NM_003922.4(HERC1):c.4649G>C (p.Ser1550Thr)

Gene: HERC1 (HECT and RLD domain containing E3 ubiquitin protein ligase family member 1; minus strand). Cytogenetic location: 15q22.31.
Variant type: single nucleotide variant.
Coding change: c.4649G>C on transcript NM_003922.4 (MANE Select); coding-DNA position 4649, G replaced by C.
Protein change: p.Ser1550Thr; replaces serine 1550 with threonine.
Molecular consequence: missense variant.
Genome position (GRCh38, 1-based): chr15:63,698,984, C>G on the plus strand (G>C on the coding strand, the complement: HERC1 is on the minus strand). VCF-style: chr15-63698984-C-G. GRCh37 (hg19) VCF-style: chr15-63991183-C-G.
Other names: short protein forms S1550T.
Identifiers: ClinVar variation 3367630 (VCV003367630.1).